The following is an entry in ClinVar:

NM_003737.4(DCHS1):c.1936C>G (p.Arg646Gly)

Gene: DCHS1 (dachsous cadherin-related 1; minus strand). Cytogenetic location: 11p15.4.
Variant type: single nucleotide variant.
Coding change: c.1936C>G on transcript NM_003737.4 (MANE Select); coding-DNA position 1936, C replaced by G.
Protein change: p.Arg646Gly; replaces arginine 646 with glycine.
Molecular consequence: missense variant.
Genome position (GRCh38, 1-based): chr11:6,634,168, G>C on the plus strand (C>G on the coding strand, the complement: DCHS1 is on the minus strand). VCF-style: chr11-6634168-G-C. GRCh37 (hg19) VCF-style: chr11-6655399-G-C.
Other names: c.1936C>G (NM_003737.3); short protein forms R646G.
Identifiers: ClinVar variation 1672752 (VCV001672752.10), dbSNP rs199875933, ClinGen allele CA5860857.

ClinVar aggregate classification (germline): Conflicting classifications of pathogenicity. Review status: criteria provided, conflicting classifications (1 of 4 stars). 2 submissions from 2 submitters: Uncertain significance (1); Likely benign (1). Last evaluated 2025-12-10.

Allele frequency attached by ClinVar (database versions not stated): ESP Exome Variant Server 0.00023; 1000 Genomes Project 30x 0.00031; 1000 Genomes Project 0.00020; TOPMed 0.00016.
gnomAD v4.1: 235 of 1,612,214 alleles (0.015%); highest among the groups gnomAD compares: Admixed American, 0.0067%; 1 homozygote.

Submissions (2):

Labcorp Genetics (formerly Invitae), Labcorp
Classification: Likely benign. Last evaluated: 2025-12-10. Review status: criteria provided, single submitter. Criteria: Invitae Variant Classification Sherloc (09022015). Collection method: clinical testing. Allele origin: germline.

GeneDx
Classification: Uncertain significance. Last evaluated: 2024-07-16. Review status: criteria provided, single submitter. Criteria: GeneDx Variant Classification Process June 2021. Collection method: clinical testing. Allele origin: germline.
Comment: In silico analysis supports that this missense variant has a deleterious effect on protein structure/function; Has not been previously published as pathogenic or benign to our knowledge